The following is an entry in ClinVar:

NM_001042492.3(NF1):c.2674A>C (p.Ser892Arg)

Gene: NF1 (neurofibromin 1; plus strand). Cytogenetic location: 17q11.2.
Variant type: single nucleotide variant.
Coding change: c.2674A>C on transcript NM_001042492.3 (MANE Select); coding-DNA position 2674, A replaced by C.
Protein change: p.Ser892Arg; replaces serine 892 with arginine.
Molecular consequence: missense variant.
Genome position (GRCh38, 1-based): chr17:31,229,289, A>C. VCF-style: chr17-31229289-A-C. GRCh37 (hg19) VCF-style: chr17-29556307-A-C.
Other names: c.2674A>C, p.Ser892Arg (NM_000267.4); short protein forms S892R.
Identifiers: ClinVar variation 2155786 (VCV002155786.4), dbSNP rs746324091, ClinGen allele CA398984864.

ClinVar aggregate classification (germline): Uncertain significance (1 of 4 stars; one submission).

Conditions:
Neurofibromatosis, type 1 (NF1). Also called: Neurofibromatosis, type I; VON RECKLINGHAUSEN DISEASE; NEUROFIBROMATOSIS, TYPE I, SOMATIC; Peripheral type neurofibromatosis. Identifiers: Orphanet 636, MedGen C0027831, MONDO:0018975, OMIM 162200. Disease mechanism: loss of function.

gnomAD v4.1: 1 of 1,613,928 alleles (0.000062%); highest among the groups gnomAD compares: Non-Finnish European, 0.000085%; no homozygotes.

Submission:

Labcorp Genetics (formerly Invitae), Labcorp
Classification: Uncertain significance for Neurofibromatosis, type 1. Last evaluated: 2022-09-06. Review status: criteria provided, single submitter. Criteria: Invitae Variant Classification Sherloc (09022015). Collection method: clinical testing. Allele origin: germline.
Comment: In summary, the available evidence is currently insufficient to determine the role of this variant in disease. Therefore, it has been classified as a Variant of Uncertain Significance. Advanced modeling of protein sequence and biophysical properties (such as structural, functional, and spatial information, amino acid conservation, physicochemical variation, residue mobility, and thermodynamic stability) performed at Invitae indicates that this missense variant is not expected to disrupt NF1 protein function. This variant has not been reported in the literature in individuals affected with NF1-related conditions. This variant is not present in population databases (gnomAD no frequency). This sequence change replaces serine, which is neutral and polar, with arginine, which is basic and polar, at codon 892 of the NF1 protein (p.Ser892Arg).